The following is an entry in ClinVar:

ClinVar aggregate classification (germline): Uncertain significance. Review status: criteria provided, multiple submitters, no conflicts (2 of 4 stars). 4 submissions from 4 submitters: Uncertain significance (4). Last evaluated 2025-10-27.

Conditions:
Cardiovascular phenotype. Identifiers: MedGen CN230736.

Allele frequency attached by ClinVar (database versions not stated): gnomAD 0.00002.
gnomAD v4.1: 17 of 1,612,042 alleles (0.0011%); highest among the groups gnomAD compares: Admixed American, 0.0017%; no homozygotes.

Submissions (4):

Labcorp Genetics (formerly Invitae), Labcorp
Classification: Uncertain significance. Last evaluated: 2025-10-27. Review status: criteria provided, single submitter. Criteria: Invitae Variant Classification Sherloc (09022015). Collection method: clinical testing. Allele origin: germline.
Comment: This sequence change replaces proline, which is neutral and non-polar, with leucine, which is neutral and non-polar, at codon 419 of the TBX20 protein (p.Pro419Leu). This variant is present in population databases (no rsID available, gnomAD 0.003%). This variant has not been reported in the literature in individuals affected with TBX20-related conditions. ClinVar contains an entry for this variant (Variation ID: 1761891). An algorithm developed to predict the effect of missense changes on protein structure and function (PolyPhen-2) suggests that this variant is likely to be disruptive. In summary, the available evidence is currently insufficient to determine the role of this variant in disease. Therefore, it has been classified as a Variant of Uncertain Significance.

Ambry Genetics
Classification: Uncertain significance for Cardiovascular phenotype. Last evaluated: 2024-04-08. Review status: criteria provided, single submitter. Criteria: Ambry Variant Classification Scheme 2023. Collection method: clinical testing. Allele origin: germline.

GeneDx
Classification: Uncertain significance. Last evaluated: 2023-06-01. Review status: criteria provided, single submitter. Criteria: GeneDx Variant Classification Process June 2021. Collection method: clinical testing. Allele origin: germline. Affected: yes.
Comment: Has not been previously published as pathogenic or benign to our knowledge; Not observed at significant frequency in large population cohorts (gnomAD); In silico analysis supports that this missense variant does not alter protein structure/function

Blueprint Genetics
Classification: Uncertain significance. Last evaluated: 2018-04-19. Review status: criteria provided, single submitter. Criteria: ACMG Guidelines, 2015. Collection method: clinical testing. Allele origin: germline.

NM_001077653.2(TBX20):c.1256C>T (p.Pro419Leu)

Gene: TBX20 (T-box transcription factor 20; minus strand). Cytogenetic location: 7p14.2.
Variant type: single nucleotide variant.
Coding change: c.1256C>T on transcript NM_001077653.2 (MANE Select); coding-DNA position 1256, C replaced by T.
Protein change: p.Pro419Leu; replaces proline 419 with leucine.
Molecular consequence: missense variant.
Genome position (GRCh38, 1-based): chr7:35,202,518, G>A on the plus strand (C>T on the coding strand, the complement: TBX20 is on the minus strand). VCF-style: chr7-35202518-G-A. GRCh37 (hg19) VCF-style: chr7-35242130-G-A.
Other names: short protein forms P419L.
Identifiers: ClinVar variation 1761891 (VCV001761891.10), dbSNP rs949178814, ClinGen allele CA156917215.